The following is an entry in ClinVar:

NM_201384.3(PLEC):c.12670G>A (p.Ala4224Thr)

Gene: PLEC (plectin; minus strand). Cytogenetic location: 8q24.3.
Variant type: single nucleotide variant.
Coding change: c.12670G>A on transcript NM_201384.3 (MANE Select); coding-DNA position 12670, G replaced by A.
Protein change: p.Ala4224Thr; replaces alanine 4224 with threonine.
Molecular consequence: missense variant.
Genome position (GRCh38, 1-based): chr8:143,917,151, C>T on the plus strand (G>A on the coding strand, the complement: PLEC is on the minus strand). VCF-style: chr8-143917151-C-T. GRCh37 (hg19) VCF-style: chr8-144991319-C-T.
Other names: c.12751G>A, p.Ala4251Thr (NM_000445.5); c.12628G>A, p.Ala4210Thr (NM_201378.4); c.12604G>A, p.Ala4202Thr (NM_201379.3); c.13081G>A, p.Ala4361Thr (NM_201380.4); c.12574G>A, p.Ala4192Thr (NM_201381.3); c.12670G>A, p.Ala4224Thr (NM_201382.4); c.12682G>A, p.Ala4228Thr (NM_201383.3); short protein forms A4192T, A4202T, A4210T, A4224T, A4228T, A4251T, A4361T.
Identifiers: ClinVar variation 497498 (VCV000497498.14), dbSNP rs781292412, ClinGen allele CA4924020.

ClinVar aggregate classification (germline): Uncertain significance. Review status: criteria provided, multiple submitters, no conflicts (2 of 4 stars). 3 submissions from 3 submitters: Uncertain significance (3). Last evaluated 2026-01-26.

Conditions:
Autosomal recessive limb-girdle muscular dystrophy type 2Q (LGMDR17). Also called: MUSCULAR DYSTROPHY, LIMB-GIRDLE, AUTOSOMAL RECESSIVE 17. Identifiers: Orphanet 254361, MedGen C3150989, MONDO:0013390, OMIM 613723.
Epidermolysis bullosa simplex 5B, with muscular dystrophy (EBS5B). Also called: EPIDERMOLYSIS BULLOSA SIMPLEX AND LIMB-GIRDLE MUSCULAR DYSTROPHY; Epidermolysis bullosa simplex with muscular dystrophy. Identifiers: Orphanet 257, MedGen C2931072, MONDO:0009181, OMIM 226670.
Epidermolysis bullosa simplex, Ogna type (EBS5A). Also called: Pidermolysis bullosa simplex 5A, Ogna type; EPIDERMOLYSIS BULLOSA SIMPLEX 5A, OGNA TYPE. Identifiers: Orphanet 79401, MedGen C0432317, MONDO:0007555, OMIM 131950.
Epidermolysis bullosa simplex with nail dystrophy (EBS5D). Identifiers: MedGen C4225309, MONDO:0014661, OMIM 616487.
Epidermolysis bullosa simplex 5C, with pyloric atresia (EBS5C). Also called: PLEC-Related Epidermolysis Bullosa with Pyloric Atresia; Epidermolysis bullosa simplex with pyloric atresia; PLEC1-Related Epidermolysis Bullosa with Pyloric Atresia. Identifiers: Orphanet 158684, MedGen C2677349, MONDO:0012807, OMIM 612138.
PLEC-related disorder. Also called: PLEC-related disorders; PLEC-related condition.

Allele frequency attached by ClinVar (database versions not stated): TOPMed 0.00002; gnomAD 0.00003 and 0.00004; gnomAD exomes 0.00003 and 0.00006; ExAC 0.00005.
gnomAD v4.1: 51 of 1,607,434 alleles (0.0032%); highest among the groups gnomAD compares: Middle Eastern, 0.016%; no homozygotes.

Submissions (3):

PreventionGenetics, part of Exact Sciences
Classification: Uncertain significance for PLEC-related condition. Last evaluated: 2026-01-26. Review status: criteria provided, single submitter. Criteria: ACMG Guidelines, 2015. Collection method: clinical testing. Allele origin: germline.
Comment: The PLEC c.12751G>A variant is predicted to result in the amino acid substitution p.Ala4251Thr. To our knowledge, this variant has not been reported in the literature. This variant is reported in 0.017% of alleles in individuals of Latino descent in gnomAD. At this time, the clinical significance of this variant is uncertain due to the absence of conclusive functional and genetic evidence.

Labcorp Genetics (formerly Invitae), Labcorp
Classification: Uncertain significance for Autosomal recessive limb-girdle muscular dystrophy type 2Q; Epidermolysis bullosa simplex, Ogna type; Epidermolysis bullosa simplex with nail dystrophy; Epidermolysis bullosa simplex 5C, with pyloric atresia; Epidermolysis bullosa simplex 5B, with muscular dystrophy. Last evaluated: 2025-08-18. Review status: criteria provided, single submitter. Criteria: Invitae Variant Classification Sherloc (09022015). Collection method: clinical testing. Allele origin: germline.
Comment: This sequence change replaces alanine, which is neutral and non-polar, with threonine, which is neutral and polar, at codon 4251 of the PLEC protein (p.Ala4251Thr). This variant is present in population databases (rs781292412, gnomAD 0.02%). This variant has not been reported in the literature in individuals affected with PLEC-related conditions. ClinVar contains an entry for this variant (Variation ID: 497498). Invitae Evidence Modeling of protein sequence and biophysical properties (such as structural, functional, and spatial information, amino acid conservation, physicochemical variation, residue mobility, and thermodynamic stability) indicates that this missense variant is not expected to disrupt PLEC protein function with a negative predictive value of 80%. In summary, the available evidence is currently insufficient to determine the role of this variant in disease. Therefore, it has been classified as a Variant of Uncertain Significance.

Eurofins Ntd Llc (ga)
Classification: Uncertain significance. Last evaluated: 2016-10-16. Review status: criteria provided, single submitter. Criteria: EGL Classification Definitions 2015. Collection method: clinical testing. Allele origin: germline. Observed: 1 variant allele, 1 heterozygote.